The following is an entry in ClinVar:

NM_006270.5(RRAS):c.484G>A (p.Ala162Thr)

Gene: RRAS (RAS related; minus strand). Cytogenetic location: 19q13.33.
Variant type: single nucleotide variant.
Coding change: c.484G>A on transcript NM_006270.5 (MANE Select); coding-DNA position 484, G replaced by A.
Protein change: p.Ala162Thr; replaces alanine 162 with threonine.
Molecular consequence: missense variant.
Genome position (GRCh38, 1-based): chr19:49,635,822, C>T on the plus strand (G>A on the coding strand, the complement: RRAS is on the minus strand). VCF-style: chr19-49635822-C-T. GRCh37 (hg19) VCF-style: chr19-50139079-C-T.
Other names: c.484G>A (NM_006270.4); short protein forms A162T.
Identifiers: ClinVar variation 1743561 (VCV001743561.7), dbSNP rs925989732, ClinGen allele CA309504888.
Genomic context (GRCh38, chr19:49,635,822, plus strand): 5'-CCTCGTCCACGTTGAGACGCAGTTTGGCCGAGGCCTCAAAGTAGGCCACGTGGTGGGAGG[C>T]GCCGAAGGCAGAGGCTTCTGATCGGGGGACCTGGGGGTAGGGGGGACACGGGGGAGTCAG-3'
Protein context (NP_006261.1, residues 152-172): VPRSEASAFG[Ala162Thr]SHHVAYFEAS

ClinVar aggregate classification (germline): Uncertain significance. Review status: criteria provided, multiple submitters, no conflicts (2 of 4 stars). 3 submissions from 3 submitters: Uncertain significance (3). Last evaluated 2025-12-21.

Conditions:
RRAS-related disorder. Also called: RRAS-related condition.
Noonan syndrome (NS). Also called: Noonan's syndrome. Identifiers: Orphanet 648, MedGen C0028326, MeSH D009634, MONDO:0018997. Disease mechanism: gain of function.

Allele frequency attached by ClinVar (database versions not stated): gnomAD 0.00015.

Submissions (3):

Ambry Genetics
Classification: Uncertain significance. Last evaluated: 2025-12-21. Review status: criteria provided, single submitter. Criteria: Ambry Variant Classification Scheme 2023. Collection method: clinical testing. Allele origin: germline.
Comment: The p.A162T variant (also known as c.484G>A), located in coding exon 5 of the RRAS gene, results from a G to A substitution at nucleotide position 484. The alanine at codon 162 is replaced by threonine, an amino acid with similar properties. This amino acid position is conserved. In addition, this alteration is predicted to be tolerated by in silico analysis. Since supporting evidence is limited at this time, the clinical significance of this alteration remains unclear.

PreventionGenetics, part of Exact Sciences
Classification: Uncertain significance for RRAS-related condition. Last evaluated: 2025-08-16. Review status: criteria provided, single submitter. Criteria: ACMG Guidelines, 2015. Collection method: clinical testing. Allele origin: germline.
Comment: The RRAS c.484G>A variant is predicted to result in the amino acid substitution p.Ala162Thr. To our knowledge, this variant has not been reported in the literature. This variant is reported in 0.039% of alleles in individuals of Latino descent in gnomAD. At this time, the clinical significance of this variant is uncertain due to the absence of conclusive functional and genetic evidence.

Labcorp Genetics (formerly Invitae), Labcorp
Classification: Uncertain significance for Noonan syndrome. Last evaluated: 2023-08-09. Review status: criteria provided, single submitter. Criteria: Invitae Variant Classification Sherloc (09022015). Collection method: clinical testing. Allele origin: germline.
Comment: This sequence change replaces alanine, which is neutral and non-polar, with threonine, which is neutral and polar, at codon 162 of the RRAS protein (p.Ala162Thr). This variant is present in population databases (no rsID available, gnomAD 0.04%). This variant has not been reported in the literature in individuals affected with RRAS-related conditions. ClinVar contains an entry for this variant (Variation ID: 1743561). An algorithm developed to predict the effect of missense changes on protein structure and function (PolyPhen-2) suggests that this variant is likely to be tolerated. In summary, the available evidence is currently insufficient to determine the role of this variant in disease. Therefore, it has been classified as a Variant of Uncertain Significance.